The following is an entry in ClinVar:

NM_001165963.4(SCN1A):c.2462C>T (p.Ala821Val)

Gene: SCN1A (sodium voltage-gated channel alpha subunit 1; minus strand). Cytogenetic location: 2q24.3.
Variant type: single nucleotide variant.
Coding change: c.2462C>T on transcript NM_001165963.4 (MANE Select); coding-DNA position 2462, C replaced by T.
Protein change: p.Ala821Val; replaces alanine 821 with valine.
Molecular consequence: missense variant. On other transcripts: non-coding transcript variant (1).
Genome position (GRCh38, 1-based): chr2:166,039,550, G>A on the plus strand (C>T on the coding strand, the complement: SCN1A is on the minus strand). VCF-style: chr2-166039550-G-A. GRCh37 (hg19) VCF-style: chr2-166896060-G-A.
Other names: c.2378C>T, p.Ala793Val (NM_001165964.3, NM_001353957.2, NM_001353958.2); c.2462C>T, p.Ala821Val (NM_001202435.3, NM_001353948.2); c.2429C>T, p.Ala810Val (NM_001353949.2, NM_001353950.2, NM_001353951.2 and 2 more transcripts); c.2426C>T, p.Ala809Val (NM_001353954.2, NM_001353955.2); c.2375C>T, p.Ala792Val (NM_001353960.2); c.20C>T, p.Ala7Val (NM_001353961.2); short protein forms A792V, A793V, A7V, A809V, A810V, A821V.
Identifiers: ClinVar variation 1698017 (VCV001698017.3), dbSNP rs2105817446, ClinGen allele CA349062690.
Genomic context (GRCh38, chr2:166,039,550, plus strand): 5'-GTCACAATAAAACCGTCAAAGATATTCCAGCCTTCTTGGAAATAATAGTAAGGATCCATG[G>A]CAATAATTTTCAGAAACATTTCTGCTGTAAAGATCCCAGTGAAAACCTAAGATCAAAACA-3'
Protein context (NP_001159435.1, residues 811-831): FTAEMFLKII[Ala821Val]MDPYYYFQEG

ClinVar aggregate classification (germline): Uncertain significance (1 of 4 stars; one submission).

Submission:

GeneDx
Classification: Uncertain significance. Last evaluated: 2025-09-11. Review status: criteria provided, single submitter. Criteria: GeneDx Variant Classification Process June 2021. Collection method: clinical testing. Allele origin: germline.
Comment: Reported as a maternal inherited variant in an individual with febrile seizures; however, clinical information for the mother was not provided (PMID: 38174099); Not observed at significant frequency in large population cohorts (gnomAD); In silico analysis supports that this missense variant has a deleterious effect on protein structure/function; This substitution is predicted to be within the intracellular loop between the S2 and S3 transmembrane segments of the second homologous domain; This variant is associated with the following publications: (PMID: 38174099)